The following is an entry in ClinVar:

ClinVar aggregate classification (germline): Uncertain significance (1 of 4 stars; one submission).

Submission:

Labcorp Genetics (formerly Invitae), Labcorp
Classification: Uncertain significance. Last evaluated: 2019-12-06. Review status: criteria provided, single submitter. Criteria: Invitae Variant Classification Sherloc (09022015). Collection method: clinical testing. Allele origin: germline.
Comment: This sequence change replaces asparagine with serine at codon 58 of the FGF23 protein (p.Asn58Ser). The asparagine residue is weakly conserved and there is a small physicochemical difference between asparagine and serine. This variant is not present in population databases (ExAC no frequency). This variant has not been reported in the literature in individuals with FGF23-related conditions. Algorithms developed to predict the effect of missense changes on protein structure and function are either unavailable or do not agree on the potential impact of this missense change (SIFT: "Deleterious"; PolyPhen-2: "Benign"; Align-GVGD: "Class C15"). In summary, the available evidence is currently insufficient to determine the role of this variant in disease. Therefore, it has been classified as a Variant of Uncertain Significance.

NM_020638.3(FGF23):c.173A>G (p.Asn58Ser)

Gene: FGF23 (fibroblast growth factor 23; minus strand). Cytogenetic location: 12p13.32.
Variant type: single nucleotide variant.
Coding change: c.173A>G on transcript NM_020638.3 (MANE Select); coding-DNA position 173, A replaced by G.
Protein change: p.Asn58Ser; replaces asparagine 58 with serine.
Molecular consequence: missense variant.
Genome position (GRCh38, 1-based): chr12:4,379,410, T>C on the plus strand (A>G on the coding strand, the complement: FGF23 is on the minus strand). VCF-style: chr12-4379410-T-C. GRCh37 (hg19) VCF-style: chr12-4488576-T-C.
Other names: short protein forms N58S.
Identifiers: ClinVar variation 836557 (VCV000836557.9), dbSNP rs1865153391, ClinGen allele CA383418053.